The following is an entry in ClinVar:

ClinVar aggregate classification (germline): Uncertain significance (1 of 4 stars; one submission).

Conditions:
Episodic ataxia type 2 (EA2). Also called: ATAXIA, EPISODIC, WITH NYSTAGMUS; ATAXIA, FAMILIAL PAROXYSMAL; CEREBELLAR ATAXIA, PAROXYSMAL, ACETAZOLAMIDE-RESPONSIVE; CEREBELLOPATHY, HEREDITARY PAROXYSMAL; EPISODIC ATAXIA, NYSTAGMUS-ASSOCIATED; ACETAZOLAMIDE-RESPONSIVE HEREDITARY PAROXYSMAL CEREBELLAR ATAXIA. Identifiers: Orphanet 97, MedGen C1720416, MONDO:0007163, OMIM 108500.
Developmental and epileptic encephalopathy, 42 (DEE42A). Also called: Epileptic encephalopathy, early infantile, 42; DEVELOPMENTAL AND EPILEPTIC ENCEPHALOPATHY 42A; EPILEPTIC ENCEPHALOPATHY, EARLY INFANTILE, 42A. Identifiers: MedGen C4310716, MONDO:0014917, OMIM 617106.

Submission:

Labcorp Genetics (formerly Invitae), Labcorp
Classification: Uncertain significance for Developmental and epileptic encephalopathy, 42; Episodic ataxia type 2. Last evaluated: 2022-11-22. Review status: criteria provided, single submitter. Criteria: Invitae Variant Classification Sherloc (09022015). Collection method: clinical testing. Allele origin: germline.
Comment: This variant has not been reported in the literature in individuals affected with CACNA1A-related conditions. This variant is not present in population databases (gnomAD no frequency). This sequence change replaces serine, which is neutral and polar, with glycine, which is neutral and non-polar, at codon 2059 of the CACNA1A protein (p.Ser2059Gly). In summary, the available evidence is currently insufficient to determine the role of this variant in disease. Therefore, it has been classified as a Variant of Uncertain Significance. Advanced modeling of protein sequence and biophysical properties (such as structural, functional, and spatial information, amino acid conservation, physicochemical variation, residue mobility, and thermodynamic stability) performed at Invitae indicates that this missense variant is not expected to disrupt CACNA1A protein function.

NM_001127222.2(CACNA1A):c.6172A>G (p.Ser2058Gly)

Gene: CACNA1A (calcium voltage-gated channel subunit alpha1 A; minus strand). Cytogenetic location: 19p13.13.
Variant type: single nucleotide variant.
Coding change: c.6172A>G on transcript NM_001127222.2 (MANE Select); coding-DNA position 6172, A replaced by G.
Protein change: p.Ser2058Gly; replaces serine 2058 with glycine.
Molecular consequence: missense variant.
Genome position (GRCh38, 1-based): chr19:13,212,401, T>C on the plus strand (A>G on the coding strand, the complement: CACNA1A is on the minus strand). VCF-style: chr19-13212401-T-C. GRCh37 (hg19) VCF-style: chr19-13323215-T-C.
Other names: c.6190A>G, p.Ser2064Gly (NM_000068.4, NM_023035.3); c.6175A>G, p.Ser2059Gly (NM_001127221.2); c.6181A>G, p.Ser2061Gly (NM_001174080.2); short protein forms S2058G, S2064G, S2059G, S2061G.
Identifiers: ClinVar variation 2100520 (VCV002100520.4), dbSNP rs2512535541, ClinGen allele CA404332685.
Genomic context (GRCh38, chr19:13,212,401, plus strand): 5'-CCCGGGCCCTGGGAGCCATTGGGGAGTTGGGGGACAGAGGCACCTGAGAGTTAGGCTGGC[T>C]GTTGGGCATGTCGGTAGGGGGGCCTTGTTCCGGACTCCATGTGCCCGTCTTCTGGAACAT-3'
Protein context (NP_001120694.1, residues 2048-2068): EQGPPTDMPN[Ser2058Gly]QPNSQSVEMR